The following is an entry in ClinVar:

NM_000492.4(CFTR):c.713C>T (p.Ala238Val)

Gene: CFTR (CF transmembrane conductance regulator; plus strand). Cytogenetic location: 7q31.2.
Variant type: single nucleotide variant.
Coding change: c.713C>T on transcript NM_000492.4 (MANE Select); coding-DNA position 713, C replaced by T.
Protein change: p.Ala238Val; replaces alanine 238 with valine.
Molecular consequence: missense variant.
Genome position (GRCh38, 1-based): chr7:117,535,381, C>T. VCF-style: chr7-117535381-C-T. GRCh37 (hg19) VCF-style: chr7-117175435-C-T.
Other names: short protein forms A238V.
Identifiers: ClinVar variation 2691661 (VCV002691661.3), dbSNP rs397508786, ClinGen allele CA327631.
Genomic context (GRCh38, chr7:117,535,381, plus strand): 5'-TGTTACAGGCGTCTGCCTTCTGTGGACTTGGTTTCCTGATAGTCCTTGCCCTTTTTCAGG[C>T]TGGGCTAGGGAGAATGATGATGAAGTACAGGTAGCAACCTATTTTCATAACTTGAAAGTT-3'
Protein context (NP_000483.3, residues 228-248): GFLIVLALFQ[Ala238Val]GLGRMMMKYR

ClinVar aggregate classification (germline): Uncertain significance. Review status: criteria provided, multiple submitters, no conflicts (2 of 4 stars). 2 submissions from 2 submitters: Uncertain significance (2). Last evaluated 2025-11-22.

Conditions:
Cystic fibrosis (CF). Also called: MUCOVISCIDOSIS. Identifiers: Orphanet 586, MedGen C0010674, MONDO:0009061, OMIM 219700. Disease mechanism: loss of function.

Submissions (2):

Labcorp Genetics (formerly Invitae), Labcorp
Classification: Uncertain significance for Cystic fibrosis. Last evaluated: 2025-11-22. Review status: criteria provided, single submitter. Criteria: Invitae Variant Classification Sherloc (09022015). Collection method: clinical testing. Allele origin: germline.
Comment: This sequence change replaces alanine, which is neutral and non-polar, with valine, which is neutral and non-polar, at codon 238 of the CFTR protein (p.Ala238Val). This variant is not present in population databases (gnomAD no frequency). This missense change has been observed in individual(s) with cystic fibrosis (PMID: 26911355). ClinVar contains an entry for this variant (Variation ID: 2691661). Invitae Evidence Modeling of protein sequence and biophysical properties (such as structural, functional, and spatial information, amino acid conservation, physicochemical variation, residue mobility, and thermodynamic stability) indicates that this missense variant is expected to disrupt CFTR protein function with a positive predictive value of 80%. Experimental studies have shown that this missense change does not substantially affect CFTR function (PMID: 29271547). In summary, the available evidence is currently insufficient to determine the role of this variant in disease. Therefore, it has been classified as a Variant of Uncertain Significance.

Women's Health and Genetics/Laboratory Corporation of America, LabCorp
Classification: Uncertain significance. Last evaluated: 2023-12-13. Review status: criteria provided, single submitter. Criteria: LabCorp Variant Classification Summary - May 2015. Collection method: clinical testing. Allele origin: germline.
Comment: Variant summary: CFTR c.713C>T (p.Ala238Val) results in a non-conservative amino acid change located in the ABC transporter type 1, transmembrane domain (IPR011527) of the encoded protein sequence. Five of five in-silico tools predict a damaging effect of the variant on protein function. The variant was absent in 251404 control chromosomes (gnomAD). The available data on variant occurrences in the general population are insufficient to allow any conclusion about variant significance. c.713C>T has been reported in the literature in individuals affected with Congenital Bilateral Absence Of The Vas Deferens or cystic fibrosis (Picci_2010, Diana_2016, Terlizzi_2020, Raraigh_2022), although many of these individuals had a complex allele with F508del in cis. These data do not allow any conclusion about variant significance. To our knowledge, no experimental evidence demonstrating an impact on protein function has been reported. The following publications have been ascertained in the context of this evaluation (PMID: 19897426, 32150665, 26911355, 34782259). No submitters have cited clinical-significance assessments for this variant to ClinVar after 2014. Based on the evidence outlined above, the variant was classified as uncertain significance.

Literature cited by the submitters: PubMed 26911355 (cited by Labcorp Genetics (formerly Invitae), Labcorp and Women's Health and Genetics/Laboratory Corporation of America, LabCorp); PubMed 29271547 (cited by Labcorp Genetics (formerly Invitae), Labcorp); PubMed 19897426 (cited by Women's Health and Genetics/Laboratory Corporation of America, LabCorp); PubMed 32150665 (cited by Women's Health and Genetics/Laboratory Corporation of America, LabCorp); PubMed 34782259 (cited by Women's Health and Genetics/Laboratory Corporation of America, LabCorp).